The following is an entry in ClinVar:

ClinVar aggregate classification (germline): Conflicting classifications of pathogenicity. Review status: criteria provided, conflicting classifications (1 of 4 stars). 2 submissions from 2 submitters: Uncertain significance (1); Likely benign (1). Last evaluated 2023-05-01.

Conditions:
Gabriele de Vries syndrome. Identifiers: Orphanet 506358, MedGen C4479652, MONDO:0044738, OMIM 617557.

Submissions (2):

CeGaT Center for Human Genetics Tuebingen
Classification: Likely benign. Last evaluated: 2023-05-01. Review status: criteria provided, single submitter. Criteria: CeGaT Center For Human Genetics Tuebingen Variant Classification Criteria Version 2. Collection method: clinical testing. Allele origin: germline. Affected: yes. Observed: 1 variant allele.
Comment: YY1: BP3

Revvity Omics, Revvity
Classification: Uncertain significance for Gabriele de Vries syndrome. Last evaluated: 2022-11-14. Review status: criteria provided, single submitter. Criteria: ACMG Guidelines, 2015. Collection method: clinical testing. Allele origin: germline.

NM_003403.5(YY1):c.168_185del (p.Asp58_Gly63del)

Gene: YY1 (YY1 transcription factor; plus strand). Cytogenetic location: 14q32.2.
Variant type: Deletion.
Coding change: c.168_185del on transcript NM_003403.5 (MANE Select); coding-DNA positions 168 to 185, 18 bases deleted (TGGCGACCACGGCGGCGG).
Protein change: p.Asp58_Gly63del.
Molecular consequence: inframe deletion.
Genome position (GRCh38, 1-based): chr14:100,239,412-100,239,429, TGGCGACCACGGCGGCGG deleted; deleting any 18 consecutive bases within chr14:100,239,402-100,239,429 gives the same sequence; the c. name uses the placement nearest the transcript's 3' end. VCF-style (leftmost placement, unchanged base first): chr14-100239401-GACGGCGGCGGTGGCGACC-G. GRCh37 (hg19) VCF-style: chr14-100705738-GACGGCGGCGGTGGCGACC-G.
Identifiers: ClinVar variation 2438635 (VCV002438635.27), dbSNP rs746323472, ClinGen allele CA7343938.